The following is an entry in ClinVar:

ClinVar aggregate classification (germline): Uncertain significance. Review status: criteria provided, multiple submitters, no conflicts (2 of 4 stars). 2 submissions from 2 submitters: Uncertain significance (2). Last evaluated 2025-07-12.

Conditions:
Autosomal dominant limb-girdle muscular dystrophy type 1G (LGMDD3). Also called: Limb-girdle muscular dystrophy, type 1G; MUSCULAR DYSTROPHY, LIMB-GIRDLE, AUTOSOMAL DOMINANT 3. Identifiers: Orphanet 55596, MedGen C1836765, MONDO:0012193, OMIM 609115.

gnomAD v4.1: 18 of 1,613,592 alleles (0.0011%); highest among the groups gnomAD compares: Middle Eastern, 0.016%; no homozygotes.

Submissions (2):

Ambry Genetics
Classification: Uncertain significance. Last evaluated: 2025-07-12. Review status: criteria provided, single submitter. Criteria: Ambry Variant Classification Scheme 2023. Collection method: clinical testing. Allele origin: germline.

Labcorp Genetics (formerly Invitae), Labcorp
Classification: Uncertain significance for Autosomal dominant limb-girdle muscular dystrophy type 1G. Last evaluated: 2024-05-06. Review status: criteria provided, single submitter. Criteria: Invitae Variant Classification Sherloc (09022015). Collection method: clinical testing. Allele origin: germline.
Comment: This sequence change replaces proline, which is neutral and non-polar, with alanine, which is neutral and non-polar, at codon 113 of the HNRNPDL protein (p.Pro113Ala). This variant is present in population databases (no rsID available, gnomAD 0.01%). This variant has not been reported in the literature in individuals affected with HNRNPDL-related conditions. Algorithms developed to predict the effect of missense changes on protein structure and function output the following: SIFT: "Not Available"; PolyPhen-2: "Benign"; Align-GVGD: "Not Available". The alanine amino acid residue is found in multiple mammalian species, which suggests that this missense change does not adversely affect protein function. In summary, the available evidence is currently insufficient to determine the role of this variant in disease. Therefore, it has been classified as a Variant of Uncertain Significance.

NM_031372.4(HNRNPDL):c.337C>G (p.Pro113Ala)

Gene: HNRNPDL (heterogeneous nuclear ribonucleoprotein D like; minus strand). Cytogenetic location: 4q21.22.
Variant type: single nucleotide variant.
Coding change: c.337C>G on transcript NM_031372.4 (MANE Select); coding-DNA position 337, C replaced by G.
Protein change: p.Pro113Ala; replaces proline 113 with alanine.
Molecular consequence: missense variant. On other transcripts: non-coding transcript variant (1).
Genome position (GRCh38, 1-based): chr4:82,429,354, G>C on the plus strand (C>G on the coding strand, the complement: HNRNPDL is on the minus strand). VCF-style: chr4-82429354-G-C. GRCh37 (hg19) VCF-style: chr4-83350507-G-C.
Other names: c.337C>G, p.Pro113Ala (NM_001207000.1); c.337C>G (NM_031372.3); short protein forms P113A.
Identifiers: ClinVar variation 2716252 (VCV002716252.4), dbSNP rs141595181, ClinGen allele CA357172578.
Genomic context (GRCh38, chr4:82,429,354, plus strand): 5'-CGAATTCCTCTATATTGCTGTACTCGTTCATATCCTCCATAGTGACGGAGCTGTCGGCAG[G>C]GGGGTGCTGGCGCGCAGTCCGGGTCGCGGCAGCAGCGGCGGCGGAGCGTTGTATGGAGCT-3'
Protein context (NP_112740.1, residues 103-123): AATRTARQHP[Pro113Ala]ADSSVTMEDM